The following is an entry in ClinVar:

NM_201384.3(PLEC):c.11353G>A (p.Ala3785Thr)

Gene: PLEC (plectin; minus strand). Cytogenetic location: 8q24.3.
Variant type: single nucleotide variant.
Coding change: c.11353G>A on transcript NM_201384.3 (MANE Select); coding-DNA position 11353, G replaced by A.
Protein change: p.Ala3785Thr; replaces alanine 3785 with threonine.
Molecular consequence: missense variant.
Genome position (GRCh38, 1-based): chr8:143,918,468, C>T on the plus strand (G>A on the coding strand, the complement: PLEC is on the minus strand). VCF-style: chr8-143918468-C-T. GRCh37 (hg19) VCF-style: chr8-144992636-C-T.
Other names: c.11764G>A, p.Ala3922Thr (NM_201380.4); c.11257G>A, p.Ala3753Thr (NM_201381.3); c.11353G>A, p.Ala3785Thr (NM_201382.4); c.11365G>A, p.Ala3789Thr (NM_201383.3); c.11434G>A, p.Ala3812Thr (NM_000445.5); c.11311G>A, p.Ala3771Thr (NM_201378.4); c.11287G>A, p.Ala3763Thr (NM_201379.3); short protein forms A3753T, A3763T, A3771T, A3785T, A3789T, A3812T, A3922T.
Identifiers: ClinVar variation 1008182 (VCV001008182.9), dbSNP rs1554675372, ClinGen allele CA372491226.

ClinVar aggregate classification (germline): Uncertain significance (1 of 4 stars; one submission).

Conditions:
Epidermolysis bullosa simplex 5B, with muscular dystrophy (EBS5B). Also called: Epidermolysis bullosa simplex with muscular dystrophy; EPIDERMOLYSIS BULLOSA SIMPLEX AND LIMB-GIRDLE MUSCULAR DYSTROPHY. Identifiers: Orphanet 257, MedGen C2931072, MONDO:0009181, OMIM 226670.
Epidermolysis bullosa simplex, Ogna type (EBS5A). Also called: Pidermolysis bullosa simplex 5A, Ogna type; EPIDERMOLYSIS BULLOSA SIMPLEX 5A, OGNA TYPE. Identifiers: Orphanet 79401, MedGen C0432317, MONDO:0007555, OMIM 131950.
Epidermolysis bullosa simplex 5C, with pyloric atresia (EBS5C). Also called: PLEC-Related Epidermolysis Bullosa with Pyloric Atresia; Epidermolysis bullosa simplex with pyloric atresia; PLEC1-Related Epidermolysis Bullosa with Pyloric Atresia. Identifiers: Orphanet 158684, MedGen C2677349, MONDO:0012807, OMIM 612138.
Autosomal recessive limb-girdle muscular dystrophy type 2Q (LGMDR17). Also called: MUSCULAR DYSTROPHY, LIMB-GIRDLE, AUTOSOMAL RECESSIVE 17. Identifiers: Orphanet 254361, MedGen C3150989, MONDO:0013390, OMIM 613723.
Epidermolysis bullosa simplex with nail dystrophy (EBS5D). Identifiers: MedGen C4225309, MONDO:0014661, OMIM 616487.

Allele frequency attached by ClinVar (database versions not stated): gnomAD below 0.00001 and 0.00001; gnomAD exomes below 0.00001.

Submission:

Labcorp Genetics (formerly Invitae), Labcorp
Classification: Uncertain significance for Autosomal recessive limb-girdle muscular dystrophy type 2Q; Epidermolysis bullosa simplex, Ogna type; Epidermolysis bullosa simplex with nail dystrophy; Epidermolysis bullosa simplex 5C, with pyloric atresia; Epidermolysis bullosa simplex 5B, with muscular dystrophy. Last evaluated: 2022-07-18. Review status: criteria provided, single submitter. Criteria: Invitae Variant Classification Sherloc (09022015). Collection method: clinical testing. Allele origin: germline.
Comment: In summary, the available evidence is currently insufficient to determine the role of this variant in disease. Therefore, it has been classified as a Variant of Uncertain Significance. Algorithms developed to predict the effect of missense changes on protein structure and function (SIFT, PolyPhen-2, Align-GVGD) all suggest that this variant is likely to be disruptive. This sequence change replaces alanine, which is neutral and non-polar, with threonine, which is neutral and polar, at codon 3812 of the PLEC protein (p.Ala3812Thr). This variant is not present in population databases (gnomAD no frequency). This variant has not been reported in the literature in individuals affected with PLEC-related conditions. ClinVar contains an entry for this variant (Variation ID: 1008182).